The following is an entry in ClinVar:

NM_020987.5(ANK3):c.7347T>C (p.His2449=)

Gene: ANK3 (ankyrin 3; minus strand). Cytogenetic location: 10q21.2.
Variant type: single nucleotide variant.
Coding change: c.7347T>C on transcript NM_020987.5 (MANE Select); coding-DNA position 7347, T replaced by C.
Protein change: p.His2449=; no amino-acid change (histidine 2449 retained).
Molecular consequence: synonymous variant. On other transcripts: intron variant (4).
Genome position (GRCh38, 1-based): chr10:60,073,534, A>G on the plus strand (T>C on the coding strand, the complement: ANK3 is on the minus strand). VCF-style: chr10-60073534-A-G. GRCh37 (hg19) VCF-style: chr10-61833292-A-G.
Other names: c.4388-5525T>C (NM_001204403.2); c.4409-5525T>C (NM_001204404.2); c.4406-5525T>C (NM_001320874.2); c.1808-5525T>C (NM_001149.4).
Identifiers: ClinVar variation 753010 (VCV000753010.22), dbSNP rs148226152, ClinGen allele CA5511725.

ClinVar aggregate classification (germline): Likely benign. Review status: criteria provided, multiple submitters, no conflicts (2 of 4 stars). 3 submissions from 3 submitters: Likely benign (2). 1 of the submissions does not count toward it. Last evaluated 2025-10-08.

Conditions:
ANK3-related disorder. Also called: ANK3-related condition.

Allele frequency attached by ClinVar (database versions not stated): ExAC 0.00002; gnomAD exomes 0.00002 and 0.00006; gnomAD 0.00004; TOPMed 0.00004; ESP Exome Variant Server 0.00015.
gnomAD v4.1: 96 of 1,613,984 alleles (0.0059%); highest among the groups gnomAD compares: Non-Finnish European, 0.0078%; no homozygotes.

Submissions (3):

Labcorp Genetics (formerly Invitae), Labcorp
Classification: Likely benign. Last evaluated: 2025-10-08. Review status: criteria provided, single submitter. Criteria: Invitae Variant Classification Sherloc (09022015). Collection method: clinical testing. Allele origin: germline.

CeGaT Center for Human Genetics Tuebingen
Classification: Likely benign. Last evaluated: 2025-02-01. Review status: criteria provided, single submitter. Criteria: CeGaT Center For Human Genetics Tuebingen Variant Classification Criteria Version 2. Collection method: clinical testing. Allele origin: germline. Affected: yes. Observed: 1 variant allele.
Comment: ANK3: BP4

PreventionGenetics, part of Exact Sciences
Classification: Likely benign for ANK3-related condition. Last evaluated: 2019-08-16. Review status: no assertion criteria provided. Collection method: clinical testing. Allele origin: germline. Not counted in ClinVar's aggregate classification.
Comment: This variant is classified as likely benign based on ACMG/AMP sequence variant interpretation guidelines (Richards et al. 2015 PMID: 25741868, with internal and published modifications).